The following is an entry in ClinVar:

ClinVar aggregate classification (germline): Uncertain significance (1 of 4 stars; one submission).

Conditions:
Glucose-6-phosphate transport defect (GSD1B). Also called: Glycogen Storage Disease Type Ib; GSD Ib. Identifiers: Orphanet 364, Orphanet 79259, MedGen C0268146, MONDO:0009288, OMIM 232220.

Submission:

Labcorp Genetics (formerly Invitae), Labcorp
Classification: Uncertain significance for Glucose-6-phosphate transport defect. Last evaluated: 2025-01-13. Review status: criteria provided, single submitter. Criteria: Invitae Variant Classification Sherloc (09022015). Collection method: clinical testing. Allele origin: germline.
Comment: This sequence change replaces valine, which is neutral and non-polar, with alanine, which is neutral and non-polar, at codon 375 of the SLC37A4 protein (p.Val375Ala). This variant is not present in population databases (gnomAD no frequency). This variant has not been reported in the literature in individuals affected with SLC37A4-related conditions. ClinVar contains an entry for this variant (Variation ID: 2910037). Experimental studies and prediction algorithms are not available or were not evaluated, and the functional significance of this variant is currently unknown. In summary, the available evidence is currently insufficient to determine the role of this variant in disease. Therefore, it has been classified as a Variant of Uncertain Significance.

NM_001164277.2(SLC37A4):c.1124T>C (p.Val375Ala)

Gene: SLC37A4 (solute carrier family 37 member 4; minus strand). Cytogenetic location: 11q23.3.
Variant type: single nucleotide variant.
Coding change: c.1124T>C on transcript NM_001164277.2 (MANE Select); coding-DNA position 1124, T replaced by C.
Protein change: p.Val375Ala; replaces valine 375 with alanine.
Molecular consequence: missense variant.
Genome position (GRCh38, 1-based): chr11:119,025,076, A>G on the plus strand (T>C on the coding strand, the complement: SLC37A4 is on the minus strand). VCF-style: chr11-119025076-A-G. GRCh37 (hg19) VCF-style: chr11-118895786-A-G.
Other names: c.1190T>C, p.Val397Ala (NM_001164278.2); c.905T>C, p.Val302Ala (NM_001164279.2); c.1124T>C, p.Val375Ala (NM_001164280.2, NM_001467.6); short protein forms V375A, V302A, V397A.
Identifiers: ClinVar variation 2910037 (VCV002910037.3), dbSNP rs1943513940, ClinGen allele CA382894901.